The following is an entry in ClinVar:

NM_001134831.2(AHI1):c.1235dup (p.Leu413fs)

Gene: AHI1 (Abelson helper integration site 1; minus strand). Cytogenetic location: 6q23.3.
Variant type: Duplication.
Coding change: c.1235dup on transcript NM_001134831.2 (MANE Select); coding-DNA position 1235, one base duplicated (A; older notation c.1235dupA).
Protein change: p.Leu413fs; shifts the reading frame from leucine 413.
Molecular consequence: frameshift variant.
Genome position (GRCh38, 1-based): chr6:135,455,843, T duplicated on the plus strand (A on the coding strand, the reverse complement: AHI1 is on the minus strand). VCF-style (leftmost placement, unchanged base first): chr6-135455842-C-CT. GRCh37 (hg19) VCF-style: chr6-135776980-C-CT.
Other names: c.1235dup, p.Leu413fs (NM_001134830.2, NM_001134832.2, NM_001350503.2 and 2 more transcripts); short protein forms L413fs.
Identifiers: ClinVar variation 592999 (VCV000592999.8), dbSNP rs772289223, ClinGen allele CA4012635.

ClinVar aggregate classification (germline): Pathogenic. Review status: criteria provided, multiple submitters, no conflicts (2 of 4 stars). 2 submissions from 2 submitters: Pathogenic (2). Last evaluated 2023-07-29.

Conditions:
Joubert syndrome. Also called: Familial aplasia of the vermis; CEREBELLOPARENCHYMAL DISORDER IV; JOUBERT-BOLTSHAUSER SYNDROME. Identifiers: Orphanet 475, MedGen C5979921, MONDO:0018772.

Allele frequency attached by ClinVar (database versions not stated): ExAC 0.00002; gnomAD exomes below 0.00001 and 0.00001.

Submissions (2):

Labcorp Genetics (formerly Invitae), Labcorp
Classification: Pathogenic for Joubert syndrome. Last evaluated: 2023-07-29. Review status: criteria provided, single submitter. Criteria: Invitae Variant Classification Sherloc (09022015). Collection method: clinical testing. Allele origin: germline.
Comment: ClinVar contains an entry for this variant (Variation ID: 592999). For these reasons, this variant has been classified as Pathogenic. This sequence change creates a premature translational stop signal (p.Leu413Valfs*15) in the AHI1 gene. It is expected to result in an absent or disrupted protein product. Loss-of-function variants in AHI1 are known to be pathogenic (PMID: 15322546, 16453322, 28442542, 29186038). This variant is present in population databases (rs772289223, gnomAD 0.006%). This variant has not been reported in the literature in individuals affected with AHI1-related conditions.

Eurofins Ntd Llc (ga)
Classification: Pathogenic. Last evaluated: 2017-07-14. Review status: criteria provided, single submitter. Criteria: EGL Classification Definitions 2015. Collection method: clinical testing. Allele origin: germline. Observed: 2 variant alleles, 1 heterozygote, 1 homozygote.

Literature cited by the submitters: PubMed 15322546 (cited by Labcorp Genetics (formerly Invitae), Labcorp); PubMed 16453322 (cited by Labcorp Genetics (formerly Invitae), Labcorp); PubMed 28442542 (cited by Labcorp Genetics (formerly Invitae), Labcorp); PubMed 29186038 (cited by Labcorp Genetics (formerly Invitae), Labcorp).